The following is an entry in ClinVar:

NM_000038.6(APC):c.4536_4538del (p.Asp1512del)

Gene: APC (APC regulator of Wnt signaling pathway; plus strand). Cytogenetic location: 5q22.2.
Variant type: Deletion.
Coding change: c.4536_4538del on transcript NM_000038.6 (MANE Select); coding-DNA positions 4536 to 4538, 3 bases deleted (TGA; older notation c.4536_4538delTGA).
Protein change: p.Asp1512del; deletes aspartic acid 1512.
Molecular consequence: inframe deletion.
Genome position (GRCh38, 1-based): chr5:112,840,130-112,840,132, TGA deleted; deleting any 3 consecutive bases within chr5:112,840,128-112,840,132 gives the same sequence; the c. name uses the placement nearest the transcript's 3' end. VCF-style (leftmost placement, unchanged base first): chr5-112840127-CGAT-C. GRCh37 (hg19) VCF-style: chr5-112175824-CGAT-C.
Other names: c.4536_4538del, p.Asp1512del (NM_001127510.3, NM_001354895.2); c.4482_4484del, p.Asp1494del (NM_001127511.3); c.4590_4592del, p.Asp1530del (NM_001354896.2); c.4566_4568del, p.Asp1522del (NM_001354897.2); c.4461_4463del, p.Asp1487del (NM_001354898.2); c.4452_4454del, p.Asp1484del (NM_001354899.2); c.4413_4415del, p.Asp1471del (NM_001354900.2); c.4359_4361del, p.Asp1453del (NM_001354901.2); and 5 more; short protein forms D1352del, D1421del, D1512del, D1530del, D1411del, D1484del, D1487del, D1494del.
Identifiers: ClinVar variation 1042475 (VCV001042475.13), dbSNP rs1765704460, ClinGen allele CA1573469562.

ClinVar aggregate classification (germline): Uncertain significance. Review status: criteria provided, multiple submitters, no conflicts (2 of 4 stars). 2 submissions from 2 submitters: Uncertain significance (2). Last evaluated 2025-11-10.

Conditions:
Hereditary cancer-predisposing syndrome. Also called: Hereditary Cancer Syndrome; Tumor predisposition; Hereditary neoplastic syndrome; Neoplastic Syndromes, Hereditary. Identifiers: Orphanet 140162, MedGen C0027672, MeSH D009386, MONDO:0015356.
Familial adenomatous polyposis 1 (FAP1). Also called: FAMILIAL ADENOMATOUS POLYPOSIS 1, ATTENUATED; POLYPOSIS, ADENOMATOUS INTESTINAL. Identifiers: MedGen C2713442, MONDO:0021056, OMIM 175100. Disease mechanism: loss of function.

Submissions (2):

Ambry Genetics
Classification: Uncertain significance for Hereditary cancer-predisposing syndrome. Last evaluated: 2025-11-10. Review status: criteria provided, single submitter. Criteria: Ambry Variant Classification Scheme 2023. Collection method: clinical testing. Allele origin: germline.
Comment: The c.4536_4538delTGA variant (also known as p.D1512del) is located in coding exon 15 of the APC gene. This variant results from an in-frame TGA deletion at nucleotide positions 4536 to 4538. This results in the in-frame deletion of an aspartic acid at codon 1512. This amino acid position is highly conserved in available vertebrate species. In addition, this alteration is predicted to be deleterious by in silico analysis (Choi Y et al. PLoS ONE. 2012; 7(10):e46688). Based on the available evidence, the clinical significance of this variant remains unclear.

Labcorp Genetics (formerly Invitae), Labcorp
Classification: Uncertain significance for Familial adenomatous polyposis 1. Last evaluated: 2020-12-24. Review status: criteria provided, single submitter. Criteria: Invitae Variant Classification Sherloc (09022015). Collection method: clinical testing. Allele origin: germline.
Comment: In summary, the available evidence is currently insufficient to determine the role of this variant in disease. Therefore, it has been classified as a Variant of Uncertain Significance. Experimental studies and prediction algorithms are not available or were not evaluated, and the functional significance of this variant is currently unknown. This variant has not been reported in the literature in individuals with APC-related conditions. This variant is not present in population databases (ExAC no frequency). This variant, c.4536_4538del, results in the deletion of 1 amino acid(s) of the APC protein (p.Asp1512del), but otherwise preserves the integrity of the reading frame.